The following is an entry in ClinVar:

NM_020066.5(FMN2):c.3273A>C (p.Leu1091=)

Gene: FMN2 (formin 2; plus strand). Cytogenetic location: 1q43.
Variant type: single nucleotide variant.
Coding change: c.3273A>C on transcript NM_020066.5 (MANE Select); coding-DNA position 3273, A replaced by C.
Protein change: p.Leu1091=; no amino-acid change (leucine 1091 retained).
Molecular consequence: synonymous variant. On other transcripts: intron variant (1).
Genome position (GRCh38, 1-based): chr1:240,208,085, A>C. VCF-style: chr1-240208085-A-C. GRCh37 (hg19) VCF-style: chr1-240371385-A-C.
Other names: c.3285A>C, p.Leu1095= (NM_001305424.2); c.1986+19823A>C (NM_001348094.2).
Identifiers: ClinVar variation 4822700 (VCV004822700.4).

ClinVar aggregate classification (germline): Likely benign (1 of 4 stars; one submission).

Submission:

CeGaT Center for Human Genetics Tuebingen
Classification: Likely benign. Last evaluated: 2026-03-01. Review status: criteria provided, single submitter. Criteria: CeGaT Center For Human Genetics Tuebingen Variant Classification Criteria Version 2. Collection method: clinical testing. Allele origin: germline. Affected: yes. Observed: 1 variant allele.
Comment: FMN2: BP4, BP7